The following is an entry in ClinVar:

ClinVar aggregate classification (germline): Uncertain significance. Review status: criteria provided, multiple submitters, no conflicts (2 of 4 stars). 3 submissions from 3 submitters: Uncertain significance (3). Last evaluated 2025-07-12.

Conditions:
Familial thoracic aortic aneurysm and aortic dissection (TAAD). Also called: Thoracic aortic aneurysms and dissections. Identifiers: Orphanet 91387, MedGen C4707243, MONDO:0019625.

Submissions (3):

Ambry Genetics
Classification: Uncertain significance for Familial thoracic aortic aneurysm and aortic dissection. Last evaluated: 2025-07-12. Review status: criteria provided, single submitter. Criteria: Ambry Variant Classification Scheme 2023. Collection method: clinical testing. Allele origin: germline.
Comment: The p.P282S variant (also known as c.844C>T), located in coding exon 8 of the CBS gene, results from a C to T substitution at nucleotide position 844. The proline at codon 282 is replaced by serine, an amino acid with similar properties. This amino acid position is conserved. In addition, this alteration is predicted to be deleterious by in silico analysis. Based on the available evidence, the clinical significance of this variant remains unclear.

Women's Health and Genetics/Laboratory Corporation of America, LabCorp
Classification: Uncertain significance. Last evaluated: 2023-08-10. Review status: criteria provided, single submitter. Criteria: LabCorp Variant Classification Summary - May 2015. Collection method: clinical testing. Allele origin: germline.

GeneDx
Classification: Uncertain significance. Last evaluated: 2016-12-05. Review status: criteria provided, single submitter. Criteria: GeneDx Variant Classification (06012015). Collection method: clinical testing. Allele origin: germline. Affected: yes.
Comment: A novel variant of uncertain significance has been identified in the CBS gene. The P282S variant has not been published as a pathogenic variant, nor has it been reported as a benign variant to our knowledge. This variant was not observed in approximately 6,500 individuals of European and African American ancestry in the NHLBI Exome Sequencing Project, indicating it is not a common benign variant in these populations. The P282S variant is a non-conservative amino acid substitution, which is likely to impact secondary protein structure as these residues differ in polarity, charge, size and/or other properties. This substitution occurs at a position that is conserved across species, and in silico analysis predicts this variant is probably damaging to the protein structure/function. However, to our knowledge no studies have been performed to determine the functional effect of the P282S variant.Therefore, based on the currently available information, it is unclear whether this variant is pathogenic or benign.

NM_000071.3(CBS):c.844C>T (p.Pro282Ser)

Gene: CBS (cystathionine beta-synthase; minus strand). Cytogenetic location: 21q22.3.
Variant type: single nucleotide variant.
Coding change: c.844C>T on transcript NM_000071.3 (MANE Select); coding-DNA position 844, C replaced by T.
Protein change: p.Pro282Ser; replaces proline 282 with serine.
Molecular consequence: missense variant.
Genome position (GRCh38, 1-based): chr21:43,063,063, G>A on the plus strand (C>T on the coding strand, the complement: CBS is on the minus strand). VCF-style: chr21-43063063-G-A. GRCh37 (hg19) VCF-style: chr21-44483173-G-A.
Other names: c.844C>T, p.Pro282Ser (NM_001178008.3, NM_001178009.3, NM_001320298.2); c.529C>T, p.Pro177Ser (NM_001321072.1); short protein forms P282S, P177S.
Identifiers: ClinVar variation 373629 (VCV000373629.3), dbSNP rs1057518515, ClinGen allele CA16043118.